The following is an entry in ClinVar:

NM_018060.4(IARS2):c.575T>C (p.Ile192Thr)

Gene: IARS2 (isoleucyl-tRNA synthetase 2, mitochondrial; plus strand). Cytogenetic location: 1q41.
Variant type: single nucleotide variant.
Coding change: c.575T>C on transcript NM_018060.4 (MANE Select); coding-DNA position 575, T replaced by C.
Protein change: p.Ile192Thr; replaces isoleucine 192 with threonine.
Molecular consequence: missense variant.
Genome position (GRCh38, 1-based): chr1:220,102,153, T>C. VCF-style: chr1-220102153-T-C. GRCh37 (hg19) VCF-style: chr1-220275495-T-C.
Other names: short protein forms I192T.
Identifiers: ClinVar variation 1925673 (VCV001925673.7), dbSNP rs780849818, ClinGen allele CA1401161.

ClinVar aggregate classification (germline): Uncertain significance. Review status: criteria provided, multiple submitters, no conflicts (2 of 4 stars). 2 submissions from 2 submitters: Uncertain significance (2). Last evaluated 2024-12-15.

Conditions:
Inborn genetic diseases. Identifiers: MedGen C0950123, MeSH D030342.

Allele frequency attached by ClinVar (database versions not stated): ExAC 0.00001.
gnomAD v4.1: 86 of 1,605,648 alleles (0.0054%); highest among the groups gnomAD compares: Non-Finnish European, 0.0072%; no homozygotes.

Submissions (2):

Ambry Genetics
Classification: Uncertain significance for Inborn genetic diseases. Last evaluated: 2024-12-15. Review status: criteria provided, single submitter. Criteria: Ambry Variant Classification Scheme 2023. Collection method: clinical testing. Allele origin: germline.

Labcorp Genetics (formerly Invitae), Labcorp
Classification: Uncertain significance. Last evaluated: 2022-08-06. Review status: criteria provided, single submitter. Criteria: Invitae Variant Classification Sherloc (09022015). Collection method: clinical testing. Allele origin: germline.
Comment: This sequence change replaces isoleucine, which is neutral and non-polar, with threonine, which is neutral and polar, at codon 192 of the IARS2 protein (p.Ile192Thr). This variant is present in population databases (rs780849818, gnomAD 0.003%). This variant has not been reported in the literature in individuals affected with IARS2-related conditions. Algorithms developed to predict the effect of missense changes on protein structure and function (SIFT, PolyPhen-2, Align-GVGD) all suggest that this variant is likely to be disruptive. In summary, the available evidence is currently insufficient to determine the role of this variant in disease. Therefore, it has been classified as a Variant of Uncertain Significance.